The following is an entry in ClinVar:

ClinVar aggregate classification (germline): Pathogenic (1 of 4 stars; one submission).

Submission:

Labcorp Genetics (formerly Invitae), Labcorp
Classification: Pathogenic. Last evaluated: 2020-09-27. Review status: criteria provided, single submitter. Criteria: Invitae Variant Classification Sherloc (09022015). Collection method: clinical testing. Allele origin: germline.
Comment: This variant is not present in population databases (ExAC no frequency). For these reasons, this variant has been classified as Pathogenic. Loss-of-function variants in COL7A1 are known to be pathogenic (PMID: 16971478). This variant has not been reported in the literature in individuals with COL7A1-related conditions. This sequence change creates a premature translational stop signal (p.Leu1146*) in the COL7A1 gene. It is expected to result in an absent or disrupted protein product.

Literature cited by the submitters: PubMed 16971478.

NM_000094.4(COL7A1):c.3437T>A (p.Leu1146Ter)

Gene: COL7A1 (collagen type VII alpha 1 chain; minus strand). Cytogenetic location: 3p21.31.
Variant type: single nucleotide variant.
Coding change: c.3437T>A on transcript NM_000094.4 (MANE Select); coding-DNA position 3437, T replaced by A.
Protein change: p.Leu1146Ter; replaces leucine 1146 with a stop codon.
Molecular consequence: nonsense.
Genome position (GRCh38, 1-based): chr3:48,586,445, A>T on the plus strand (T>A on the coding strand, the complement: COL7A1 is on the minus strand). VCF-style: chr3-48586445-A-T. GRCh37 (hg19) VCF-style: chr3-48623878-A-T.
Other names: short protein forms L1146*.
Identifiers: ClinVar variation 1074398 (VCV001074398.5), dbSNP rs2107749132, ClinGen allele CA352705757.